The following is an entry in ClinVar:

ClinVar aggregate classification (germline): Uncertain significance (1 of 4 stars; one submission).

Allele frequency attached by ClinVar (database versions not stated): TOPMed 0.00002; gnomAD 0.00003; ExAC 0.00004; gnomAD exomes 0.00006; 1000 Genomes Project 30x 0.00016; 1000 Genomes Project 0.00020.
gnomAD v4.1: 90 of 1,554,736 alleles (0.0058%); highest among the groups gnomAD compares: South Asian, 0.012%; no homozygotes.

Submission:

Ambry Genetics
Classification: Uncertain significance. Last evaluated: 2024-12-10. Review status: criteria provided, single submitter. Criteria: Ambry Variant Classification Scheme 2023. Collection method: clinical testing. Allele origin: germline.
Comment: The p.V1773I variant (also known as c.5317G>A), located in coding exon 22 of the WNK2 gene, results from a G to A substitution at nucleotide position 5317. The valine at codon 1773 is replaced by isoleucine, an amino acid with highly similar properties. This amino acid position is conserved. In addition, this alteration is predicted to be tolerated by in silico analysis. Based on the available evidence, the clinical significance of this variant remains unclear.

NM_006648.4(WNK2):c.5317G>A (p.Val1773Ile)

Gene: WNK2 (WNK lysine deficient protein kinase 2; plus strand). Cytogenetic location: 9q22.31.
Variant type: single nucleotide variant.
Coding change: c.5317G>A on transcript NM_006648.4 (MANE Select); coding-DNA position 5317, G replaced by A.
Protein change: p.Val1773Ile; replaces valine 1773 with isoleucine.
Molecular consequence: missense variant.
Genome position (GRCh38, 1-based): chr9:93,292,782, G>A. VCF-style: chr9-93292782-G-A. GRCh37 (hg19) VCF-style: chr9-96055064-G-A.
Other names: c.5428G>A, p.Val1810Ile (NM_001282394.3); short protein forms V1773I, V1810I.
Identifiers: ClinVar variation 3190650 (VCV003190650.2), dbSNP rs539783461, ClinGen allele CA5130561.